The following is an entry in ClinVar:

ClinVar aggregate classification (germline): Uncertain significance (1 of 4 stars; one submission).

Conditions:
Alstrom syndrome (ALMS). Identifiers: Orphanet 64, MedGen C0268425, MONDO:0008763, OMIM 203800.

Submission:

Labcorp Genetics (formerly Invitae), Labcorp
Classification: Uncertain significance for Alstrom syndrome. Last evaluated: 2024-10-17. Review status: criteria provided, single submitter. Criteria: Invitae Variant Classification Sherloc (09022015). Collection method: clinical testing. Allele origin: germline.
Comment: This sequence change replaces aspartic acid, which is acidic and polar, with glutamic acid, which is acidic and polar, at codon 2244 of the ALMS1 protein (p.Asp2244Glu). This variant is not present in population databases (gnomAD no frequency). This variant has not been reported in the literature in individuals affected with ALMS1-related conditions. ClinVar contains an entry for this variant (Variation ID: 2155747). Experimental studies and prediction algorithms are not available or were not evaluated, and the functional significance of this variant is currently unknown. In summary, the available evidence is currently insufficient to determine the role of this variant in disease. Therefore, it has been classified as a Variant of Uncertain Significance.

NM_001378454.1(ALMS1):c.6729T>A (p.Asp2243Glu)

Gene: ALMS1 (ALMS1 centrosome and basal body associated protein; plus strand). Cytogenetic location: 2p13.1.
Variant type: single nucleotide variant.
Coding change: c.6729T>A on transcript NM_001378454.1 (MANE Select); coding-DNA position 6729, T replaced by A.
Protein change: p.Asp2243Glu; replaces aspartic acid 2243 with glutamic acid.
Molecular consequence: missense variant.
Genome position (GRCh38, 1-based): chr2:73,453,256, T>A. VCF-style: chr2-73453256-T-A. GRCh37 (hg19) VCF-style: chr2-73680383-T-A.
Other names: c.6732T>A, p.Asp2244Glu (NM_015120.4); short protein forms D2244E, D2243E.
Identifiers: ClinVar variation 2155747 (VCV002155747.2), dbSNP rs745661762, ClinGen allele CA347289165.